The following is an entry in ClinVar:

NM_000016.6(ACADM):c.1120C>T (p.Gln374Ter)

Gene: ACADM (acyl-CoA dehydrogenase medium chain; plus strand). Cytogenetic location: 1p31.1.
Variant type: single nucleotide variant.
Coding change: c.1120C>T on transcript NM_000016.6 (MANE Select); coding-DNA position 1120, C replaced by T.
Protein change: p.Gln374Ter; replaces glutamine 374 with a stop codon.
Molecular consequence: nonsense.
Genome position (GRCh38, 1-based): chr1:75,761,296, C>T. VCF-style: chr1-75761296-C-T. GRCh37 (hg19) VCF-style: chr1-76226981-C-T.
Other names: c.1132C>T, p.Gln378Ter (NM_001127328.3); c.1012C>T, p.Gln338Ter (NM_001286042.2); c.1219C>T, p.Gln407Ter (NM_001286043.2); c.553C>T, p.Gln185Ter (NM_001286044.2); c.1120C>T (NM_000016.5); short protein forms Q185*, Q338*, Q374*, Q378*, Q407*.
Identifiers: ClinVar variation 1071806 (VCV001071806.8), dbSNP rs2100453612, ClinGen allele CA340818209.
Genomic context (GRCh38, chr1:75,761,296, plus strand): 5'-GCTTCTATTGCAAAGGCATTTGCTGGAGATATTGCAAATCAGTTAGCTACTGATGCTGTG[C>T]AGATACTTGGAGGCAATGGATTTAATACAGAATATCCTGTAGAAAAACTAATGAGGGATG-3'

ClinVar aggregate classification (germline): Pathogenic/Likely pathogenic. Review status: criteria provided, multiple submitters, no conflicts (2 of 4 stars). 2 submissions from 2 submitters: Pathogenic (1); Likely pathogenic (1). Last evaluated 2024-11-05.

Conditions:
Medium-chain acyl-coenzyme A dehydrogenase deficiency (ACADMD). Also called: Medium chain acyl-CoA dehydrogenase deficiency; ACADM DEFICIENCY; MCADH DEFICIENCY; CARNITINE DEFICIENCY SECONDARY TO MEDIUM-CHAIN ACYL-CoA DEHYDROGENASE DEFICIENCY; MCAD Deficiency; MCADD. Identifiers: Orphanet 42, MedGen C0220710, MONDO:0008721, OMIM 201450.

Submissions (2):

Natera, Inc.
Classification: Likely pathogenic for Medium Chain Acyl-CoA Dehydrogenase Deficiency. Last evaluated: 2024-11-05. Review status: criteria provided, single submitter. Criteria: Natera Variant Classification Schema (03/2026). Collection method: clinical testing. Allele origin: germline.
Comment: The c.1120C>T variant in ACADM is a nonsense variant predicted to introduce a stop codon at amino acid 374. This variant is expected to result in nonsense mediated decay, truncation, or a dysfunctional protein product. This variant is rare in the general population with a frequency below the threshold expected for the associated phenotype(s). Given the available evidence, this variant is classified as Likely Pathogenic.

Labcorp Genetics (formerly Invitae), Labcorp
Classification: Pathogenic for Medium-chain acyl-coenzyme A dehydrogenase deficiency. Last evaluated: 2024-10-30. Review status: criteria provided, single submitter. Criteria: Invitae Variant Classification Sherloc (09022015). Collection method: clinical testing. Allele origin: germline.
Comment: This sequence change creates a premature translational stop signal (p.Gln374*) in the ACADM gene. It is expected to result in an absent or disrupted protein product. Loss-of-function variants in ACADM are known to be pathogenic (PMID: 16121256, 20434380). This variant is not present in population databases (gnomAD no frequency). This variant has not been reported in the literature in individuals affected with ACADM-related conditions. ClinVar contains an entry for this variant (Variation ID: 1071806). For these reasons, this variant has been classified as Pathogenic.

Literature cited by the submitters: PubMed 16121256 (cited by Labcorp Genetics (formerly Invitae), Labcorp); PubMed 20434380 (cited by Labcorp Genetics (formerly Invitae), Labcorp).